The following is an entry in ClinVar:

NM_001042492.3(NF1):c.5627T>C (p.Leu1876Pro)

Gene: NF1 (neurofibromin 1; plus strand). Cytogenetic location: 17q11.2.
Variant type: single nucleotide variant.
Coding change: c.5627T>C on transcript NM_001042492.3 (MANE Select); coding-DNA position 5627, T replaced by C.
Protein change: p.Leu1876Pro; replaces leucine 1876 with proline.
Molecular consequence: missense variant.
Genome position (GRCh38, 1-based): chr17:31,330,313, T>C. VCF-style: chr17-31330313-T-C. GRCh37 (hg19) VCF-style: chr17-29657331-T-C.
Other names: c.5564T>C, p.Leu1855Pro (NM_000267.4); short protein forms L1876P, L1855P.
Identifiers: ClinVar variation 2744371 (VCV002744371.3), dbSNP rs2508717737, ClinGen allele CA399010128.
Genomic context (GRCh38, chr17:31,330,313, plus strand): 5'-GAAAAATACGTTTTAAAACAACTTCATTTGTGTTTTCTCCTAGGTCAGCTGCCTATAATC[T>C]TCTGTGTGCCTTAACTTGTACCTTTAATTTAAAAATCGAGGGCCAGTTACTAGAGACATC-3'
Protein context (NP_001035957.1, residues 1866-1886): DPSLRSAAYN[Leu1876Pro]LCALTCTFNL

ClinVar aggregate classification (germline): Uncertain significance (1 of 4 stars; one submission).

Conditions:
Neurofibromatosis, type 1 (NF1). Also called: Peripheral type neurofibromatosis; NEUROFIBROMATOSIS, TYPE I, SOMATIC; VON RECKLINGHAUSEN DISEASE; Neurofibromatosis, type I. Identifiers: Orphanet 636, MedGen C0027831, MONDO:0018975, OMIM 162200. Disease mechanism: loss of function.

Submission:

Labcorp Genetics (formerly Invitae), Labcorp
Classification: Uncertain significance for Neurofibromatosis, type 1. Last evaluated: 2023-06-15. Review status: criteria provided, single submitter. Criteria: Invitae Variant Classification Sherloc (09022015). Collection method: clinical testing. Allele origin: germline.
Comment: This sequence change replaces leucine, which is neutral and non-polar, with proline, which is neutral and non-polar, at codon 1855 of the NF1 protein (p.Leu1855Pro). This variant is not present in population databases (gnomAD no frequency). This variant has not been reported in the literature in individuals affected with NF1-related conditions. Advanced modeling of protein sequence and biophysical properties (such as structural, functional, and spatial information, amino acid conservation, physicochemical variation, residue mobility, and thermodynamic stability) performed at Invitae indicates that this missense variant is expected to disrupt NF1 protein function. In summary, the available evidence is currently insufficient to determine the role of this variant in disease. Therefore, it has been classified as a Variant of Uncertain Significance.